The following is an entry in ClinVar:

NM_001283009.2(RTEL1):c.2876A>G (p.His959Arg)

Genes: RTEL1 (regulator of telomere elongation helicase 1; plus strand), RTEL1-TNFRSF6B (RTEL1-TNFRSF6B readthrough (NMD candidate); plus strand). Cytogenetic location: 20q13.33.
Variant type: single nucleotide variant.
Coding change: c.2876A>G on transcript NM_001283009.2 (MANE Select); coding-DNA position 2876, A replaced by G.
Protein change: p.His959Arg; replaces histidine 959 with arginine.
Molecular consequence: missense variant. On other transcripts: non-coding transcript variant (1).
Genome position (GRCh38, 1-based): chr20:63,693,167, A>G. VCF-style: chr20-63693167-A-G. GRCh37 (hg19) VCF-style: chr20-62324520-A-G.
Other names: c.2207A>G, p.His736Arg (NM_001283010.1); c.2876A>G, p.His959Arg (NM_016434.4); c.2948A>G, p.His983Arg (NM_032957.5); short protein forms H736R, H959R, H983R.
Identifiers: ClinVar variation 3791095 (VCV003791095.1).

ClinVar aggregate classification (germline): Uncertain significance (1 of 4 stars; one submission).

Conditions:
Inborn genetic diseases. Identifiers: MedGen C0950123, MeSH D030342.

gnomAD v4.1: 1 of 1,612,132 alleles (0.000062%); highest among the groups gnomAD compares: Non-Finnish European, 0.000085%; no homozygotes.

Submission:

Ambry Genetics
Classification: Uncertain significance for Inborn genetic diseases. Last evaluated: 2025-01-27. Review status: criteria provided, single submitter. Criteria: Ambry Variant Classification Scheme 2023. Collection method: clinical testing. Allele origin: germline.
Comment: The p.H959R variant (also known as c.2876A>G), located in coding exon 29 of the RTEL1 gene, results from an A to G substitution at nucleotide position 2876. The histidine at codon 959 is replaced by arginine, an amino acid with highly similar properties. This amino acid position is conserved. In addition, this alteration is predicted to be tolerated by in silico analysis. Based on the available evidence, the clinical significance of this variant remains unclear.